The following is an entry in ClinVar:

NM_001375905.1(SGMS2):c.411A>G (p.Ile137Met)

Genes: CYP2U1-AS1 (CYP2U1 and SGMS2 antisense RNA 1; minus strand), SGMS2 (sphingomyelin synthase 2; plus strand). Cytogenetic location: 4q25.
Variant type: single nucleotide variant.
Coding change: c.411A>G on transcript NM_001375905.1 (MANE Select); coding-DNA position 411, A replaced by G.
Protein change: p.Ile137Met; replaces isoleucine 137 with methionine.
Molecular consequence: missense variant. On other transcripts: intron variant (1).
Genome position (GRCh38, 1-based): chr4:107,895,964, A>G. VCF-style: chr4-107895964-A-G. GRCh37 (hg19) VCF-style: chr4-108817120-A-G.
Other names: c.411A>G, p.Ile137Met (NM_001136257.2, NM_001136258.2, NM_001375906.1 and 4 more transcripts); c.-64-3611A>G (NM_001375911.1); short protein forms I137M.
Identifiers: ClinVar variation 1974528 (VCV001974528.6), dbSNP rs752164503, ClinGen allele CA3036761.
Genomic context (GRCh38, chr4:107,895,964, plus strand): 5'-TTTTGATTACATTGATAGGGTGAAATGGGCATTTTCTGTATCAGAAATAAATGGGATTAT[A>G]TTAGTTGGATTATGGATCACCCAGTGGCTGTTTCTGAGATACAAGTAAGTAAATCTAATG-3'
Protein context (NP_001362834.1, residues 127-147): AFSVSEINGI[Ile137Met]LVGLWITQWL

ClinVar aggregate classification (germline): Uncertain significance (1 of 4 stars; one submission).

Allele frequency attached by ClinVar (database versions not stated): ExAC 0.00002; gnomAD exomes 0.00002; TOPMed 0.00002; gnomAD 0.00003.
gnomAD v4.1: 15 of 1,613,716 alleles (0.00093%); highest among the groups gnomAD compares: African/African-American, 0.0013%; no homozygotes.

Submissions (2):

Labcorp Genetics (formerly Invitae), Labcorp
Classification: Uncertain significance. Last evaluated: 2025-10-02. Review status: criteria provided, single submitter. Criteria: Invitae Variant Classification Sherloc (09022015). Collection method: clinical testing. Allele origin: germline.
Comment: This sequence change replaces isoleucine, which is neutral and non-polar, with methionine, which is neutral and non-polar, at codon 137 of the SGMS2 protein (p.Ile137Met). The frequency data for this variant in the population databases is considered unreliable, as metrics indicate poor data quality at this position in the gnomAD database. This variant has not been reported in the literature in individuals affected with SGMS2-related conditions. ClinVar contains an entry for this variant (Variation ID: 1974528). Invitae Evidence Modeling of protein sequence and biophysical properties (such as structural, functional, and spatial information, amino acid conservation, physicochemical variation, residue mobility, and thermodynamic stability) has been performed for this missense variant. However, the output from this modeling did not meet the statistical confidence thresholds required to predict the impact of this variant on SGMS2 protein function. In summary, the available evidence is currently insufficient to determine the role of this variant in disease. Therefore, it has been classified as a Variant of Uncertain Significance.

Dr. Peter K. Rogan Lab, Western University
No classification provided (evidence only). Condition: Ovarian serous cystadenocarcinoma. Review status: no classification provided. Collection method: in vitro. Allele origin: not applicable. Functional consequence: retained intron. Not counted in ClinVar's aggregate classification.